The following is an entry in ClinVar:

ClinVar aggregate classification (germline): Pathogenic (1 of 4 stars; one submission).

Conditions:
Arrhythmogenic right ventricular dysplasia 8 (ARVD8). Also called: Arrhythmogenic Right Ventricular Dysplasia/Cardiomyopathy 8; ARRHYTHMOGENIC RIGHT VENTRICULAR DYSPLASIA, FAMILIAL, 8; ARRHYTHMOGENIC RIGHT VENTRICULAR CARDIOMYOPATHY 8. Identifiers: MedGen C1843896, MONDO:0011831, OMIM 607450.
Arrhythmogenic cardiomyopathy with wooly hair and keratoderma. Also called: Carvajal syndrome; PALMOPLANTAR KERATODERMA WITH LEFT VENTRICULAR CARDIOMYOPATHY AND WOOLLY HAIR; Arrhythmogenic cardiomyopathy with woolly hair and keratoderma; Dilated cardiomyopathy with woolly hair and keratoderma. Identifiers: Orphanet 65282, MedGen C1854063, MONDO:0011581, OMIM 605676.

Submission:

Labcorp Genetics (formerly Invitae), Labcorp
Classification: Pathogenic for Arrhythmogenic cardiomyopathy with wooly hair and keratoderma; Arrhythmogenic right ventricular dysplasia 8. Last evaluated: 2020-07-30. Review status: criteria provided, single submitter. Criteria: Invitae Variant Classification Sherloc (09022015). Collection method: clinical testing. Allele origin: germline.
Comment: For these reasons, this variant has been classified as Pathogenic. Loss-of-function variants in DSP are known to be pathogenic (PMID: 20716751, 24503780, 25227139). This variant has not been reported in the literature in individuals with DSP-related conditions. This variant is not present in population databases (ExAC no frequency). This sequence change creates a premature translational stop signal (p.Thr1032Profs*51) in the DSP gene. It is expected to result in an absent or disrupted protein product.

Literature cited by the submitters: PubMed 20716751; PubMed 24503780; PubMed 25227139.

NM_004415.4(DSP):c.3094del (p.Thr1032fs)

Gene: DSP (desmoplakin; plus strand). Cytogenetic location: 6p24.3.
Variant type: Deletion.
Coding change: c.3094del on transcript NM_004415.4 (MANE Select); coding-DNA position 3094, one base deleted (A; older notation c.3094delA).
Protein change: p.Thr1032fs; shifts the reading frame from threonine 1032.
Molecular consequence: frameshift variant.
Genome position (GRCh38, 1-based): chr6:7,579,284, A deleted. VCF-style (leftmost placement, unchanged base first): chr6-7579283-TA-T. GRCh37 (hg19) VCF-style: chr6-7579516-TA-T.
Other names: c.3094del, p.Thr1032fs (NM_001008844.3, NM_001319034.2); short protein forms T1032fs.
Identifiers: ClinVar variation 1075169 (VCV001075169.7), dbSNP rs2113690997, ClinGen allele CA2499218554.